The following is an entry in ClinVar:

ClinVar aggregate classification (germline): Pathogenic (1 of 4 stars; one submission).

Conditions:
Dilated cardiomyopathy 1P (CMD1P). Identifiers: Orphanet 154, MedGen C1835928, MONDO:0012362, OMIM 609909.

Submission:

Labcorp Genetics (formerly Invitae), Labcorp
Classification: Pathogenic for Dilated cardiomyopathy 1P. Last evaluated: 2024-06-04. Review status: criteria provided, single submitter. Criteria: Invitae Variant Classification Sherloc (09022015). Collection method: clinical testing. Allele origin: germline.
Comment: This sequence change affects the initiator methionine of the PLN mRNA. The next in-frame methionine is located at codon 20. This variant is not present in population databases (gnomAD no frequency). Disruption of the initiator codon has been observed in individual(s) with PLN-related conditions (PMID: 30242101). Experimental studies and prediction algorithms are not available or were not evaluated, and the functional significance of this variant is currently unknown. This variant disrupts a region of the PLN protein in which other variant(s) (p.Arg9Cys) have been determined to be pathogenic (PMID: 12610310, 21282613, 22427649, 22707725, 25593317). This suggests that this is a clinically significant region of the protein, and that variants that disrupt it are likely to be disease-causing. For these reasons, this variant has been classified as Pathogenic.

Literature cited by the submitters: PubMed 30242101; PubMed 12610310; PubMed 21282613; PubMed 22427649; PubMed 22707725; PubMed 25593317.

NM_002667.5(PLN):c.2T>G (p.Met1Arg)

Genes: CEP85L (centrosomal protein 85L; minus strand), PLN (phospholamban; plus strand). Cytogenetic location: 6q22.31.
Variant type: single nucleotide variant.
Coding change: c.2T>G on transcript NM_002667.5 (MANE Select); coding-DNA position 2, T replaced by G.
Protein change: p.Met1Arg; changes the start codon (methionine 1).
Molecular consequence: missense variant, initiator codon variant. On other transcripts: intron variant (3).
Genome position (GRCh38, 1-based): chr6:118,558,923, T>G. VCF-style: chr6-118558923-T-G. GRCh37 (hg19) VCF-style: chr6-118880086-T-G.
Other names: c.1029+6606A>C (NM_001178035.2); c.1020+6606A>C (NM_001042475.3, NM_206921.3); short protein forms M1R.
Identifiers: ClinVar variation 3655536 (VCV003655536.2).